The following is an entry in ClinVar:

NM_021076.4(NEFH):c.952A>G (p.Ile318Val)

Gene: NEFH (neurofilament heavy chain; plus strand). Cytogenetic location: 22q12.2.
Variant type: single nucleotide variant.
Coding change: c.952A>G on transcript NM_021076.4 (MANE Select); coding-DNA position 952, A replaced by G.
Protein change: p.Ile318Val; replaces isoleucine 318 with valine.
Molecular consequence: missense variant.
Genome position (GRCh38, 1-based): chr22:29,483,443, A>G. VCF-style: chr22-29483443-A-G. GRCh37 (hg19) VCF-style: chr22-29879432-A-G.
Other names: short protein forms I318V.
Identifiers: ClinVar variation 4753251 (VCV004753251.1).

ClinVar aggregate classification (germline): Uncertain significance (1 of 4 stars; one submission).

gnomAD v4.1: 2 of 1,614,028 alleles (0.00012%); highest among the groups gnomAD compares: Non-Finnish European, 0.00017%; no homozygotes.

Submission:

Labcorp Genetics (formerly Invitae), Labcorp
Classification: Uncertain significance. Last evaluated: 2025-09-16. Review status: criteria provided, single submitter. Criteria: Invitae Variant Classification Sherloc (09022015). Collection method: clinical testing. Allele origin: germline.
Comment: This sequence change replaces isoleucine, which is neutral and non-polar, with valine, which is neutral and non-polar, at codon 318 of the NEFH protein (p.Ile318Val). This variant is present in population databases (rs753262659, gnomAD 0.0009%). This variant has not been reported in the literature in individuals affected with NEFH-related conditions. Invitae Evidence Modeling of protein sequence and biophysical properties (such as structural, functional, and spatial information, amino acid conservation, physicochemical variation, residue mobility, and thermodynamic stability) indicates that this missense variant is not expected to disrupt NEFH protein function with a negative predictive value of 95%. In summary, the available evidence is currently insufficient to determine the role of this variant in disease. Therefore, it has been classified as a Variant of Uncertain Significance.